The following is an entry in ClinVar:

ClinVar aggregate classification (germline): Uncertain significance (1 of 4 stars; one submission).

Conditions:
DMXL2-related disorder. Also called: DMXL2-related condition.

gnomAD v4.1: 3 of 1,511,032 alleles (0.0002%); highest among the groups gnomAD compares: African/African-American, 0.0014%; no homozygotes.

Submission:

PreventionGenetics, part of Exact Sciences
Classification: Uncertain significance for DMXL2-related condition. Last evaluated: 2025-06-10. Review status: criteria provided, single submitter. Criteria: ACMG Guidelines, 2015. Collection method: clinical testing. Allele origin: germline.
Comment: The DMXL2 c.7425A>G variant is predicted to result in the amino acid substitution p.Ile2475Met. To our knowledge, this variant has not been reported in the literature or in a large population database (gnomAD), indicating this variant is rare. At this time, the clinical significance of this variant is uncertain due to the absence of conclusive functional and genetic evidence.

NM_001378457.1(DMXL2):c.7425A>G (p.Ile2475Met)

Gene: DMXL2 (Dmx like 2; minus strand). Cytogenetic location: 15q21.2.
Variant type: single nucleotide variant.
Coding change: c.7425A>G on transcript NM_001378457.1 (MANE Select); coding-DNA position 7425, A replaced by G.
Protein change: p.Ile2475Met; replaces isoleucine 2475 with methionine.
Molecular consequence: missense variant. On other transcripts: non-coding transcript variant (2).
Genome position (GRCh38, 1-based): chr15:51,466,279, T>C on the plus strand (A>G on the coding strand, the complement: DMXL2 is on the minus strand). VCF-style: chr15-51466279-T-C. GRCh37 (hg19) VCF-style: chr15-51758476-T-C.
Other names: c.7425A>G, p.Ile2475Met (NM_001174116.3, NM_001378459.1, NM_001378461.1 and 1 more transcripts); c.5514A>G, p.Ile1838Met (NM_001174117.3); c.7422A>G, p.Ile2474Met (NM_001378458.1, NM_001378462.1, NM_015263.5); c.5403A>G, p.Ile1801Met (NM_001378460.1); c.7182A>G, p.Ile2394Met (NM_001378464.1); short protein forms I1801M, I2394M, I2475M, I2474M, I1838M.
Identifiers: ClinVar variation 4989308 (VCV004989308.1).